The following is an entry in ClinVar:

NM_022051.3(EGLN1):c.546C>G (p.Asn182Lys)

Gene: EGLN1 (egl-9 family hypoxia inducible factor 1; minus strand). Cytogenetic location: 1q42.2.
Variant type: single nucleotide variant.
Coding change: c.546C>G on transcript NM_022051.3 (MANE Select); coding-DNA position 546, C replaced by G.
Protein change: p.Asn182Lys; replaces asparagine 182 with lysine.
Molecular consequence: missense variant.
Genome position (GRCh38, 1-based): chr1:231,421,343, G>C on the plus strand (C>G on the coding strand, the complement: EGLN1 is on the minus strand). VCF-style: chr1-231421343-G-C. GRCh37 (hg19) VCF-style: chr1-231557089-G-C.
Other names: c.546C>G, p.Asn182Lys (NM_001377260.1, NM_001377261.1); short protein forms N182K.
Identifiers: ClinVar variation 1406280 (VCV001406280.10), dbSNP rs1258825907, ClinGen allele CA345236667.

ClinVar aggregate classification (germline): Conflicting classifications of pathogenicity. Review status: criteria provided, conflicting classifications (1 of 4 stars). 2 submissions from 2 submitters: Uncertain significance (1); Likely benign (1). Last evaluated 2024-03-25.

Conditions:
Erythrocytosis, familial, 3 (ECYT3). Identifiers: Orphanet 247511, MedGen C1853286, MONDO:0012353, OMIM 609820.

Allele frequency attached by ClinVar (database versions not stated): gnomAD exomes below 0.00001.
gnomAD v4.1: 1 of 1,610,848 alleles (0.000062%); highest among the groups gnomAD compares: Non-Finnish European, 0.000085%; no homozygotes.

Submissions (2):

Ambry Genetics
Classification: Likely benign. Last evaluated: 2024-03-25. Review status: criteria provided, single submitter. Criteria: Ambry Variant Classification Scheme 2023. Collection method: clinical testing. Allele origin: germline.

Labcorp Genetics (formerly Invitae), Labcorp
Classification: Uncertain significance for Erythrocytosis, familial, 3. Last evaluated: 2022-10-05. Review status: criteria provided, single submitter. Criteria: Invitae Variant Classification Sherloc (09022015). Collection method: clinical testing. Allele origin: germline.
Comment: This variant is present in population databases (no rsID available, gnomAD 0.001%). This sequence change replaces asparagine, which is neutral and polar, with lysine, which is basic and polar, at codon 182 of the EGLN1 protein (p.Asn182Lys). This variant has not been reported in the literature in individuals affected with EGLN1-related conditions. ClinVar contains an entry for this variant (Variation ID: 1406280). Algorithms developed to predict the effect of missense changes on protein structure and function (SIFT, PolyPhen-2, Align-GVGD) all suggest that this variant is likely to be tolerated. Algorithms developed to predict the effect of sequence changes on RNA splicing suggest that this variant may create or strengthen a splice site. In summary, the available evidence is currently insufficient to determine the role of this variant in disease. Therefore, it has been classified as a Variant of Uncertain Significance.